The following is an entry in ClinVar:

ClinVar aggregate classification (germline): Uncertain significance (1 of 4 stars; one submission).

Conditions:
Trichorhinophalangeal dysplasia type I (TRPS1). Also called: TRICHORHINOPHALANGEAL SYNDROME, TYPE I; TRPS I. Identifiers: Orphanet 77258, MedGen C0432233, MONDO:0008596, OMIM 190350.
Trichorhinophalangeal syndrome, type III (TRPS3). Also called: SUGIO-KAJII SYNDROME. Identifiers: Orphanet 77258, MedGen C1860823, OMIM 190351, MONDO:0008597.

Allele frequency attached by ClinVar (database versions not stated): gnomAD exomes 0.00002.
gnomAD v4.1: 12 of 1,614,142 alleles (0.00074%); highest among the groups gnomAD compares: Non-Finnish European, 0.001%; no homozygotes.

Submission:

Labcorp Genetics (formerly Invitae), Labcorp
Classification: Uncertain significance for Trichorhinophalangeal syndrome, type III; Trichorhinophalangeal dysplasia type I. Last evaluated: 2025-08-21. Review status: criteria provided, single submitter. Criteria: Invitae Variant Classification Sherloc (09022015). Collection method: clinical testing. Allele origin: germline.
Comment: This sequence change replaces serine, which is neutral and polar, with arginine, which is basic and polar, at codon 703 of the TRPS1 protein (p.Ser703Arg). This variant is present in population databases (no rsID available, gnomAD 0.004%). This variant has not been reported in the literature in individuals affected with TRPS1-related conditions. ClinVar contains an entry for this variant (Variation ID: 2932314). Invitae Evidence Modeling of protein sequence and biophysical properties (such as structural, functional, and spatial information, amino acid conservation, physicochemical variation, residue mobility, and thermodynamic stability) indicates that this missense variant is not expected to disrupt TRPS1 protein function with a negative predictive value of 80%. In summary, the available evidence is currently insufficient to determine the role of this variant in disease. Therefore, it has been classified as a Variant of Uncertain Significance.

NM_014112.5(TRPS1):c.2107A>C (p.Ser703Arg)

Gene: TRPS1 (transcriptional repressor GATA binding 1; minus strand). Cytogenetic location: 8q23.3.
Variant type: single nucleotide variant.
Coding change: c.2107A>C on transcript NM_014112.5 (MANE Select); coding-DNA position 2107, A replaced by C.
Protein change: p.Ser703Arg; replaces serine 703 with arginine.
Molecular consequence: missense variant.
Genome position (GRCh38, 1-based): chr8:115,587,594, T>G on the plus strand (A>C on the coding strand, the complement: TRPS1 is on the minus strand). VCF-style: chr8-115587594-T-G. GRCh37 (hg19) VCF-style: chr8-116599821-T-G.
Other names: c.2080A>C, p.Ser694Arg (NM_001282902.3); c.2086A>C, p.Ser696Arg (NM_001282903.3); c.2068A>C, p.Ser690Arg (NM_001330599.2); short protein forms S690R, S694R, S703R, S696R.
Identifiers: ClinVar variation 2932314 (VCV002932314.3), dbSNP rs1298267137, ClinGen allele CA372065860.